The following is an entry in ClinVar:

NC_000005.10:g.(?_132575767)_(132642374_?)del

Genes: TH2-LCR (Th2 cytokine locus control region; plus strand), TH2LCRR (T helper type 2 locus control region associated RNA; minus strand), RAD50 (RAD50 double strand break repair protein; plus strand). Cytogenetic location: 5q31.1.
Variant type: Deletion.
Identifiers: ClinVar variation 639865 (VCV000639865.5).

ClinVar aggregate classification (germline): Pathogenic (1 of 4 stars; one submission).

Conditions:
Hereditary cancer-predisposing syndrome. Also called: Neoplastic Syndromes, Hereditary; Tumor predisposition; Hereditary Cancer Syndrome; Hereditary neoplastic syndrome. Identifiers: Orphanet 140162, MedGen C0027672, MeSH D009386, MONDO:0015356.

Submission:

Labcorp Genetics (formerly Invitae), Labcorp
Classification: Pathogenic for Hereditary cancer-predisposing syndrome. Last evaluated: 2021-12-08. Review status: criteria provided, single submitter. Criteria: Invitae Variant Classification Sherloc (09022015). Collection method: clinical testing. Allele origin: germline.
Comment: For these reasons, this variant has been classified as Pathogenic. This variant disrupts the MRE11 interaction, Zinc hook and ATPase-C domains of the RAD50 protein, which are critical for protein function (PMID: 10892749, 15852023, 21441914, 24894818). While functional studies have not been performed to directly test the effect of this variant on RAD50 protein function, this suggests that disruption of this region of the protein is causative of disease. This variant has not been reported in the literature in individuals affected with RAD50-related conditions. This variant is a gross deletion of the genomic region encompassing exon(s) 3-25 of the RAD50 gene, which includes the termination codon. This deletion extends beyond the assayed region for this gene and therefore may encompass additional genes. While this deletion is not anticipated to lead to nonsense mediated decay, it is expected to alter mRNA translation or result in a truncated protein product.

Literature cited by the submitters: PubMed 10892749; PubMed 15852023; PubMed 21441914; PubMed 24894818.